The following is an entry in ClinVar:

ClinVar aggregate classification (germline): Likely benign (1 of 4 stars; one submission).

gnomAD v4.1: 138 of 149,010 alleles (0.093%); highest among the groups gnomAD compares: Admixed American, 0.88%; 3 homozygotes.

Submission:

CeGaT Center for Human Genetics Tuebingen
Classification: Likely benign. Last evaluated: 2026-09-01. Review status: criteria provided, single submitter. Criteria: CeGaT Center For Human Genetics Tuebingen Variant Classification Criteria Version 2. Collection method: clinical testing. Allele origin: germline. Affected: yes. Observed: 2 variant alleles.
Comment: PGM1: BS2

NM_002633.3(PGM1):c.1599+568T>C

Gene: PGM1 (phosphoglucomutase 1; plus strand). Cytogenetic location: 1p31.3.
Variant type: single nucleotide variant.
Coding change: c.1599+568T>C on transcript NM_002633.3 (MANE Select); 568 bases into the intron after coding-DNA position 1599, T replaced by C.
Molecular consequence: intron variant.
Genome position (GRCh38, 1-based): chr1:63,655,034, T>C. VCF-style: chr1-63655034-T-C. GRCh37 (hg19) VCF-style: chr1-64120705-T-C.
Other names: c.1008+568T>C (NM_001172819.2); c.1653+568T>C (NM_001172818.1).
Identifiers: ClinVar variation 4874005 (VCV004874005.2).
Genomic context (GRCh38, chr1:63,655,034, plus strand): 5'-TTTTTTTTTTTTTGAGACAGGGTCTCACTCTGTTGCCCAGGCTGGAGTGCAATGGCACAA[T>C]CTCAGCTCACTGCAACATCCACCTTCTGGGCTCAAGCAATCCTCCTACCTCAGCTACCTG-3'